The following is an entry in ClinVar:

NM_002529.4(NTRK1):c.1256C>T (p.Ser419Leu)

Gene: NTRK1 (neurotrophic receptor tyrosine kinase 1; plus strand). Cytogenetic location: 1q23.1.
Variant type: single nucleotide variant.
Coding change: c.1256C>T on transcript NM_002529.4 (MANE Select); coding-DNA position 1256, C replaced by T.
Protein change: p.Ser419Leu; replaces serine 419 with leucine.
Molecular consequence: missense variant.
Genome position (GRCh38, 1-based): chr1:156,874,910, C>T. VCF-style: chr1-156874910-C-T. GRCh37 (hg19) VCF-style: chr1-156844702-C-T.
Other names: c.1148C>T, p.Ser383Leu (NM_001007792.1); c.1238C>T, p.Ser413Leu (NM_001012331.2); short protein forms S419L, S413L, S383L.
Identifiers: ClinVar variation 660977 (VCV000660977.5), dbSNP rs765681685, ClinGen allele CA1169269.
Genomic context (GRCh38, chr1:156,874,910, plus strand): 5'-AGGCTCTGAGAGTACAGGAGGAGCCCCTGGATCTAACTACCCCTGTCCCCCACCAGGTCT[C>T]GGTGGCTGTGGGCCTGGCCGTCTTTGCCTGCCTCTTCCTTTCTACGCTGCTCCTTGTGCT-3'
Protein context (NP_002520.2, residues 409-429): EKKDETPFGV[Ser419Leu]VAVGLAVFAC

ClinVar aggregate classification (germline): Uncertain significance. Review status: criteria provided, multiple submitters, no conflicts (2 of 4 stars). 3 submissions from 3 submitters: Uncertain significance (2). 1 of the submissions does not count toward it. Last evaluated 2026-09-02.

Conditions:
Hereditary insensitivity to pain with anhidrosis (CIPA). Also called: NTRK1 Congenital Insensitivity to Pain with Anhidrosis; HSAN Type IV; FAMILIAL DYSAUTONOMIA, TYPE II; hereditary sensory and autonomic neuropathy type 4; INSENSITIVITY TO PAIN, CONGENITAL, WITH ANHIDROSIS; NEUROPATHY, CONGENITAL SENSORY, WITH ANHIDROSIS. Identifiers: Orphanet 642, MedGen C0020074, MONDO:0009746, OMIM 256800.

Allele frequency attached by ClinVar (database versions not stated): TOPMed below 0.00001; gnomAD 0.00001; gnomAD exomes 0.00001; ExAC 0.00002.
gnomAD v4.1: 9 of 1,610,218 alleles (0.00056%); highest among the groups gnomAD compares: Admixed American, 0.0033%; no homozygotes.

Submissions (3):

Myriad Genetics, Inc.
Classification: Uncertain significance for Hereditary insensitivity to pain with anhidrosis. Last evaluated: 2026-09-02. Review status: criteria provided, single submitter. Criteria: Myriad Autosomal Dominant, Autosomal Recessive and X-Linked Classification Criteria (2023). Collection method: clinical testing. Allele origin: unknown.
Comment: NM_002529.3(NTRK1):c.1256C>T(S419L) is a missense variant classified as a variant of uncertain significance in the context of congenital insensitivity to pain with anhidrosis, NTRK1-related. S419L has not been observed in cases with relevant disease. Relevant functional assessments of this variant are not available in the literature. S419L has been observed in referenced population frequency databases. In summary, there is insufficient evidence to classify NM_002529.3(NTRK1):c.1256C>T(S419L) as pathogenic or benign. Please note: this variant was assessed in the context of healthy population screening.

Labcorp Genetics (formerly Invitae), Labcorp
Classification: Uncertain significance for Hereditary insensitivity to pain with anhidrosis. Last evaluated: 2022-07-26. Review status: criteria provided, single submitter. Criteria: Invitae Variant Classification Sherloc (09022015). Collection method: clinical testing. Allele origin: germline.
Comment: This sequence change replaces serine, which is neutral and polar, with leucine, which is neutral and non-polar, at codon 413 of the NTRK1 protein (p.Ser413Leu). This variant is present in population databases (rs765681685, gnomAD 0.004%). This variant has not been reported in the literature in individuals affected with NTRK1-related conditions. ClinVar contains an entry for this variant (Variation ID: 660977). Advanced modeling of protein sequence and biophysical properties (such as structural, functional, and spatial information, amino acid conservation, physicochemical variation, residue mobility, and thermodynamic stability) performed at Invitae indicates that this missense variant is not expected to disrupt NTRK1 protein function. In summary, the available evidence is currently insufficient to determine the role of this variant in disease. Therefore, it has been classified as a Variant of Uncertain Significance.

Natera, Inc.
Classification: Uncertain significance for Hereditary insensitivity to pain with anhidrosis. Last evaluated: 2020-09-16. Review status: no assertion criteria provided. Collection method: clinical testing. Allele origin: germline. Not counted in ClinVar's aggregate classification.